The following is an entry in ClinVar:

ClinVar aggregate classification (germline): Uncertain significance. Review status: criteria provided, single submitter (1 of 4 stars). 2 submissions from 2 submitters: Uncertain significance (1). 1 of the submissions does not count toward it. Last evaluated 2020-02-14.

Conditions:
FLNC-related disorder. Also called: FLNC-related condition; FLNC-related disorders.

Allele frequency attached by ClinVar (database versions not stated): gnomAD exomes below 0.00001.
gnomAD v4.1: 1 of 1,614,120 alleles (0.000062%); highest among the groups gnomAD compares: Non-Finnish European, 0.000085%; no homozygotes.

Submissions (2):

GeneDx
Classification: Uncertain significance. Last evaluated: 2020-02-14. Review status: criteria provided, single submitter. Criteria: GeneDx Variant Classification Process June 2021. Collection method: clinical testing. Allele origin: germline. Affected: yes.
Comment: Has not been previously published as pathogenic or benign to our knowledge; In silico analysis supports that this missense variant has a deleterious effect on protein structure/function; Not observed in large population cohorts (Lek et al., 2016)

PreventionGenetics, part of Exact Sciences
Classification: Uncertain significance for FLNC-related condition. Last evaluated: 2024-08-29. Review status: no assertion criteria provided. Collection method: clinical testing. Allele origin: germline. Not counted in ClinVar's aggregate classification.
Comment: The FLNC c.2714A>C variant is predicted to result in the amino acid substitution p.Gln905Pro. To our knowledge, this variant has not been reported in the literature or in gnomAD, indicating this variant is rare. At this time, the clinical significance of this variant is uncertain due to the absence of conclusive functional and genetic evidence.

NM_001458.5(FLNC):c.2714A>C (p.Gln905Pro)

Gene: FLNC (filamin C; plus strand). Cytogenetic location: 7q32.1.
Variant type: single nucleotide variant.
Coding change: c.2714A>C on transcript NM_001458.5 (MANE Select); coding-DNA position 2714, A replaced by C.
Protein change: p.Gln905Pro; replaces glutamine 905 with proline.
Molecular consequence: missense variant.
Genome position (GRCh38, 1-based): chr7:128,843,480, A>C. VCF-style: chr7-128843480-A-C. GRCh37 (hg19) VCF-style: chr7-128483534-A-C.
Other names: c.2714A>C, p.Gln905Pro (NM_001127487.2); short protein forms Q905P.
Identifiers: ClinVar variation 1210552 (VCV001210552.4), dbSNP rs2128935996, ClinGen allele CA369192998.